The following is an entry in ClinVar:

NM_022765.4(MICAL1):c.1963G>A (p.Gly655Ser)

Gene: MICAL1 (microtubule associated monooxygenase, calponin and LIM domain containing 1; minus strand). Cytogenetic location: 6q21.
Variant type: single nucleotide variant.
Coding change: c.1963G>A on transcript NM_022765.4 (MANE Select); coding-DNA position 1963, G replaced by A.
Protein change: p.Gly655Ser; replaces glycine 655 with serine.
Molecular consequence: missense variant.
Genome position (GRCh38, 1-based): chr6:109,447,704, C>T on the plus strand (G>A on the coding strand, the complement: MICAL1 is on the minus strand). VCF-style: chr6-109447704-C-T. GRCh37 (hg19) VCF-style: chr6-109768907-C-T.
Other names: c.1705G>A, p.Gly569Ser (NM_001159291.2); c.2020G>A, p.Gly674Ser (NM_001286613.2); short protein forms G569S, G655S, G674S.
Identifiers: ClinVar variation 2850886 (VCV002850886.3), dbSNP rs2482783078, ClinGen allele CA365226219.

ClinVar aggregate classification (germline): Uncertain significance (1 of 4 stars; one submission).

Submission:

Labcorp Genetics (formerly Invitae), Labcorp
Classification: Uncertain significance. Last evaluated: 2023-04-23. Review status: criteria provided, single submitter. Criteria: Invitae Variant Classification Sherloc (09022015). Collection method: clinical testing. Allele origin: germline.
Comment: This variant has not been reported in the literature in individuals affected with MICAL1-related conditions. In summary, the available evidence is currently insufficient to determine the role of this variant in disease. Therefore, it has been classified as a Variant of Uncertain Significance. Algorithms developed to predict the effect of sequence changes on RNA splicing suggest that this variant may disrupt the consensus splice site. Algorithms developed to predict the effect of missense changes on protein structure and function output the following: SIFT: "Not Available"; PolyPhen-2: "Benign"; Align-GVGD: "Not Available". The serine amino acid residue is found in multiple mammalian species, which suggests that this missense change does not adversely affect protein function. This variant is not present in population databases (gnomAD no frequency). This sequence change replaces glycine, which is neutral and non-polar, with serine, which is neutral and polar, at codon 674 of the MICAL1 protein (p.Gly674Ser).